The following is an entry in ClinVar:

NM_004415.4(DSP):c.7129A>C (p.Ile2377Leu)

Gene: DSP (desmoplakin; plus strand). Cytogenetic location: 6p24.3.
Variant type: single nucleotide variant.
Coding change: c.7129A>C on transcript NM_004415.4 (MANE Select); coding-DNA position 7129, A replaced by C.
Protein change: p.Ile2377Leu; replaces isoleucine 2377 with leucine.
Molecular consequence: missense variant.
Genome position (GRCh38, 1-based): chr6:7,584,391, A>C. VCF-style: chr6-7584391-A-C. GRCh37 (hg19) VCF-style: chr6-7584624-A-C.
Other names: c.5332A>C, p.Ile1778Leu (NM_001008844.3); c.5800A>C, p.Ile1934Leu (NM_001319034.2); short protein forms I2377L, I1934L, I1778L.
Identifiers: ClinVar variation 4614030 (VCV004614030.1).

ClinVar aggregate classification (germline): Uncertain significance (1 of 4 stars; one submission).

Conditions:
Cardiovascular phenotype. Identifiers: MedGen CN230736.

Submission:

Ambry Genetics
Classification: Uncertain significance for Cardiovascular phenotype. Last evaluated: 2025-09-17. Review status: criteria provided, single submitter. Criteria: Ambry Variant Classification Scheme 2023. Collection method: clinical testing. Allele origin: germline.
Comment: The p.I2377L variant (also known as c.7129A>C), located in coding exon 24 of the DSP gene, results from an A to C substitution at nucleotide position 7129. The isoleucine at codon 2377 is replaced by leucine, an amino acid with highly similar properties. This amino acid position is conserved. In addition, the in silico prediction for this alteration is inconclusive. Based on the available evidence, the clinical significance of this variant remains unclear.